The following is an entry in ClinVar:

NM_170707.4(LMNA):c.238G>A (p.Ala80Thr)

Gene: LMNA (lamin A/C; plus strand). Cytogenetic location: 1q22.
Variant type: single nucleotide variant.
Coding change: c.238G>A on transcript NM_170707.4 (MANE Select); coding-DNA position 238, G replaced by A.
Protein change: p.Ala80Thr; replaces alanine 80 with threonine.
Molecular consequence: missense variant. On other transcripts: 5 prime UTR variant (8), intron variant (2).
Genome position (GRCh38, 1-based): chr1:156,115,156, G>A. VCF-style: chr1-156115156-G-A. GRCh37 (hg19) VCF-style: chr1-156084947-G-A.
Other names: c.238G>A, p.Ala80Thr (NM_001282625.2, NM_001282626.2, NM_001406983.1 and 6 more transcripts); c.-186G>A (NM_001406986.1); c.-164G>A (NM_001406990.1, NM_001406995.1, NM_001407002.1); c.-427G>A (NM_001406994.1, NM_001407000.1); c.-607G>A (NM_001406999.1); c.-270G>A (NM_001407001.1); c.-203+8333G>A (NM_001406993.1, NM_001407003.1); short protein forms A80T.
Identifiers: ClinVar variation 3633623 (VCV003633623.2).

ClinVar aggregate classification (germline): Uncertain significance (1 of 4 stars; one submission).

Conditions:
Charcot-Marie-Tooth disease type 2. Also called: Charcot-Marie-Tooth type 2. Identifiers: Orphanet 64746, MedGen C0270914, MONDO:0018993.

Submission:

Labcorp Genetics (formerly Invitae), Labcorp
Classification: Uncertain significance for Charcot-Marie-Tooth disease type 2. Last evaluated: 2024-12-18. Review status: criteria provided, single submitter. Criteria: Invitae Variant Classification Sherloc (09022015). Collection method: clinical testing. Allele origin: germline.
Comment: This sequence change replaces alanine, which is neutral and non-polar, with threonine, which is neutral and polar, at codon 80 of the LMNA protein (p.Ala80Thr). This variant is not present in population databases (gnomAD no frequency). This variant has not been reported in the literature in individuals affected with LMNA-related conditions. Invitae Evidence Modeling of protein sequence and biophysical properties (such as structural, functional, and spatial information, amino acid conservation, physicochemical variation, residue mobility, and thermodynamic stability) indicates that this missense variant is expected to disrupt LMNA protein function with a positive predictive value of 95%. In summary, the available evidence is currently insufficient to determine the role of this variant in disease. Therefore, it has been classified as a Variant of Uncertain Significance.